The following is an entry in ClinVar:

NM_172364.5(CACNA2D4):c.3175T>C (p.Cys1059Arg)

Gene: CACNA2D4 (calcium voltage-gated channel auxiliary subunit alpha2delta 4; minus strand). Cytogenetic location: 12p13.33.
Variant type: single nucleotide variant.
Coding change: c.3175T>C on transcript NM_172364.5 (MANE Select); coding-DNA position 3175, T replaced by C.
Protein change: p.Cys1059Arg; replaces cysteine 1059 with arginine.
Molecular consequence: missense variant.
Genome position (GRCh38, 1-based): chr12:1,795,719, A>G on the plus strand (T>C on the coding strand, the complement: CACNA2D4 is on the minus strand). VCF-style: chr12-1795719-A-G. GRCh37 (hg19) VCF-style: chr12-1904885-A-G.
Other names: short protein forms C1059R.
Identifiers: ClinVar variation 3684847 (VCV003684847.2).
Genomic context (GRCh38, chr12:1,795,719, plus strand): 5'-GCAGGATATATTTGACTTCTGTCGCCTCCTGCAGCACTGGTGGGAAGATGCTGCAGTCAC[A>G]GGTGGGGTCTGTCACCAGGAGGAGGAGGTTACTGTTGGGAATCTGCTGCACCACAAATAC-3'
Protein context (NP_758952.4, residues 1049-1069): NLLLLVTDPT[Cys1059Arg]DCSIFPPVLQ

ClinVar aggregate classification (germline): Uncertain significance (1 of 4 stars; one submission).

Submission:

Labcorp Genetics (formerly Invitae), Labcorp
Classification: Uncertain significance. Last evaluated: 2025-04-08. Review status: criteria provided, single submitter. Criteria: Invitae Variant Classification Sherloc (09022015). Collection method: clinical testing. Allele origin: germline.
Comment: This sequence change replaces cysteine, which is neutral and slightly polar, with arginine, which is basic and polar, at codon 1059 of the CACNA2D4 protein (p.Cys1059Arg). This variant is not present in population databases (gnomAD no frequency). This variant has not been reported in the literature in individuals affected with CACNA2D4-related conditions. ClinVar contains an entry for this variant (Variation ID: 3684847). An algorithm developed to predict the effect of missense changes on protein structure and function (PolyPhen-2) suggests that this variant is likely to be disruptive. In summary, the available evidence is currently insufficient to determine the role of this variant in disease. Therefore, it has been classified as a Variant of Uncertain Significance.